The following is an entry in ClinVar:

NM_000436.4(OXCT1):c.1000A>G (p.Ser334Gly)

Gene: OXCT1 (3-oxoacid CoA-transferase 1; minus strand). Cytogenetic location: 5p13.1.
Variant type: single nucleotide variant.
Coding change: c.1000A>G on transcript NM_000436.4 (MANE Select); coding-DNA position 1000, A replaced by G.
Protein change: p.Ser334Gly; replaces serine 334 with glycine.
Molecular consequence: missense variant. On other transcripts: non-coding transcript variant (1).
Genome position (GRCh38, 1-based): chr5:41,803,119, T>C on the plus strand (A>G on the coding strand, the complement: OXCT1 is on the minus strand). VCF-style: chr5-41803119-T-C. GRCh37 (hg19) VCF-style: chr5-41803221-T-C.
Other names: c.1021A>G, p.Ser341Gly (NM_001364299.2, NM_001364300.2); c.994A>G, p.Ser332Gly (NM_001364301.2); c.1000A>G, p.Ser334Gly (NM_001364302.2); c.442A>G, p.Ser148Gly (NM_001364303.2); short protein forms S148G, S332G, S334G, S341G.
Identifiers: ClinVar variation 4681969 (VCV004681969.5).

ClinVar aggregate classification (germline): Uncertain significance (1 of 4 stars; one submission).

Submission:

CeGaT Center for Human Genetics Tuebingen
Classification: Uncertain significance. Last evaluated: 2025-12-01. Review status: criteria provided, single submitter. Criteria: CeGaT Center For Human Genetics Tuebingen Variant Classification Criteria Version 2. Collection method: clinical testing. Allele origin: germline. Affected: yes. Observed: 1 variant allele.
Comment: OXCT1: PM2